The following is an entry in ClinVar:

NM_001376.5(DYNC1H1):c.3940G>A (p.Gly1314Ser)

Gene: DYNC1H1 (dynein cytoplasmic 1 heavy chain 1; plus strand). Cytogenetic location: 14q32.31.
Variant type: single nucleotide variant.
Coding change: c.3940G>A on transcript NM_001376.5 (MANE Select); coding-DNA position 3940, G replaced by A.
Protein change: p.Gly1314Ser; replaces glycine 1314 with serine.
Molecular consequence: missense variant.
Genome position (GRCh38, 1-based): chr14:102,000,124, G>A. VCF-style: chr14-102000124-G-A. GRCh37 (hg19) VCF-style: chr14-102466461-G-A.
Other names: short protein forms G1314S.
Identifiers: ClinVar variation 1315284 (VCV001315284.2), dbSNP rs2141285080, ClinGen allele CA391038750.
Genomic context (GRCh38, chr14:102,000,124, plus strand): 5'-AGAGAGAAGTGTGCAAAGGCCAAGGAGGCGCTGGAATTGACAGATACTGGGCTTCTCAGT[G>A]GCAGTGAAGAGCGCGTGCAGGTATGAACCACTGGGGAGTGGGTGGAGAATCCCGCTCCCC-3'
Protein context (NP_001367.2, residues 1304-1324): LELTDTGLLS[Gly1314Ser]SEERVQVALE

ClinVar aggregate classification (germline): Uncertain significance (1 of 4 stars; one submission).

Submission:

GeneDx
Classification: Uncertain significance. Last evaluated: 2020-02-10. Review status: criteria provided, single submitter. Criteria: GeneDx Variant Classification Process June 2021. Collection method: clinical testing. Allele origin: germline. Affected: yes.
Comment: Not observed in large population cohorts (Lek et al., 2016); In silico analysis supports that this missense variant does not alter protein structure/function; Has not been previously published as pathogenic or benign to our knowledge